The following is an entry in ClinVar:

ClinVar aggregate classification (germline): Likely benign (1 of 4 stars; one submission).

Conditions:
CLPP-related disorder. Also called: CLPP-related condition.

gnomAD v4.1: 1 of 1,549,420 alleles (0.000065%); highest among the groups gnomAD compares: South Asian, 0.0012%; no homozygotes.

Submission:

PreventionGenetics, part of Exact Sciences
Classification: Likely benign for CLPP-related condition. Last evaluated: 2025-06-13. Review status: criteria provided, single submitter. Criteria: ACMG Guidelines, 2015. Collection method: clinical testing. Allele origin: germline.
Comment: This variant is classified as likely benign based on ACMG/AMP sequence variant interpretation guidelines (Richards et al. 2015 PMID: 25741868, with internal and published modifications).

NM_006012.4(CLPP):c.*6G>A

Gene: CLPP (caseinolytic mitochondrial matrix peptidase proteolytic subunit; plus strand). Cytogenetic location: 19p13.3.
Variant type: single nucleotide variant.
Coding change: c.*6G>A on transcript NM_006012.4 (MANE Select); 6 bases downstream of the stop codon, G replaced by A.
Molecular consequence: 3 prime UTR variant.
Genome position (GRCh38, 1-based): chr19:6,368,716, G>A. VCF-style: chr19-6368716-G-A. GRCh37 (hg19) VCF-style: chr19-6368727-G-A.
Identifiers: ClinVar variation 4998721 (VCV004998721.1).
Genomic context (GRCh38, chr19:6,368,716, plus strand): 5'-GAAGGAGCCTGTAGAAGCAGCGCCGGCAGCAGAACCTGTCCCAGCTAGCACCTGAGAGCT[G>A]GGCCTCCTCTCCAGAATCATGTGGAGGGGCCAGAGGCCTGCCAGACCCCCAGCTGGGCCC-3'